The following is an entry in ClinVar:

NM_012414.4(RAB3GAP2):c.1792A>C (p.Ile598Leu)

Gene: RAB3GAP2 (RAB3 GTPase activating non-catalytic protein subunit 2; minus strand). Cytogenetic location: 1q41.
Variant type: single nucleotide variant.
Coding change: c.1792A>C on transcript NM_012414.4 (MANE Select); coding-DNA position 1792, A replaced by C.
Protein change: p.Ile598Leu; replaces isoleucine 598 with leucine.
Molecular consequence: missense variant.
Genome position (GRCh38, 1-based): chr1:220,185,729, T>G on the plus strand (A>C on the coding strand, the complement: RAB3GAP2 is on the minus strand). VCF-style: chr1-220185729-T-G. GRCh37 (hg19) VCF-style: chr1-220359071-T-G.
Other names: short protein forms I598L.
Identifiers: ClinVar variation 130076 (VCV000130076.9), dbSNP rs587780427, ClinGen allele CA231436.

ClinVar aggregate classification (germline): Uncertain significance. Review status: criteria provided, multiple submitters, no conflicts (2 of 4 stars). 2 submissions from 2 submitters: Uncertain significance (2). Last evaluated 2022-08-03.

Allele frequency attached by ClinVar (database versions not stated): gnomAD 0.00001 and 0.00002; TOPMed 0.00001.
gnomAD v4.1: 3 of 1,611,466 alleles (0.00019%); highest among the groups gnomAD compares: Non-Finnish European, 0.00017%; no homozygotes.

Submissions (2):

GeneDx
Classification: Uncertain significance. Last evaluated: 2022-08-03. Review status: criteria provided, single submitter. Criteria: GeneDx Variant Classification Process June 2021. Collection method: clinical testing. Allele origin: germline. Affected: yes.
Comment: Observed in large population cohorts (gnomAD; internal data); In silico analysis supports that this missense variant does not alter protein structure/function; Has not been previously published as pathogenic or benign to our knowledge

Genetic Services Laboratory, University of Chicago
Classification: Uncertain significance. Last evaluated: 2014-02-17. Review status: criteria provided, single submitter. Criteria: ACMG Guidelines, 2007. Collection method: clinical testing. Allele origin: germline. Inheritance: Autosomal recessive inheritance.